The following is an entry in ClinVar:

ClinVar aggregate classification (germline): Likely pathogenic. Review status: criteria provided, single submitter (1 of 4 stars). 2 submissions from 2 submitters: Likely pathogenic (1). 1 of the submissions does not count toward it. Last evaluated 2024-06-07.

Conditions:
Mucopolysaccharidosis, MPS-II (MPS2). Also called: Attenuated MPS (subtype; formerly known as mild MPS II); Severe MPS II; I2S deficiency; MPS 2; Hunter Syndrome; IDURONATE 2-SULFATASE DEFICIENCY. Identifiers: Orphanet 580, Orphanet 79388, MedGen C0026705, MONDO:0010674, OMIM 309900.

Submissions (2):

Laboratory of Diagnosis and Therapy of Lysosomal Disorders, University of Padova
Classification: Likely pathogenic for Mucopolysaccharidosis, MPS-II. Last evaluated: 2024-06-07. Review status: criteria provided, single submitter. Criteria: ACMG Guidelines, 2015. Collection method: literature only. Allele origin: germline. Affected: yes. Observed: 5 variant alleles.
Comment: Prevalence of the variant significantly increased in affected individuals compared with controls (PS4_Supporting), Absent from controls (or at low frequency) in gnomAD database (PM2_Moderate), Missense change at the same amino acid residue as a pathogenic variant (PM5_Moderate), Missense variant in a gene with a low rate of benign missense variation (PP2_Supporting), Multiple lines of computational evidence support a deleterious effect (PP3_Supporting), Patient’s phenotype or family history highly specific for the disease (PP4_Moderate)

Classification method: ACMG Guidelines [PMID:25741868] with modifications

Division of Medical Genetics, Department of Pediatrics, All India Institute of Medical Sciences, New Delhi
Classification: Affects for Mucopolysaccharidosis, MPS-II. Last evaluated: 2014-04-10. Review status: no assertion criteria provided. Collection method: research. Allele origin: germline. Inheritance: X-linked recessive inheritance. Affected: yes. Observed: 1 variant allele, 1 hemizygote. Not counted in ClinVar's aggregate classification.
Comment: The change c.1506G>T (p.W502C) was found to be a missense variant, where the aromatic nonpolar neutral amino acid Tryptophan at 502 position was substituted by sulfur-containing nonpolar neutral amino acid Cysteine.

Literature cited by the submitters: PubMed 35144014 (cited by Laboratory of Diagnosis and Therapy of Lysosomal Disorders, University of Padova); PubMed 9452044 (cited by Laboratory of Diagnosis and Therapy of Lysosomal Disorders, University of Padova); PubMed 27246110 (cited by Laboratory of Diagnosis and Therapy of Lysosomal Disorders, University of Padova); PubMed 9875019 (cited by Laboratory of Diagnosis and Therapy of Lysosomal Disorders, University of Padova); PubMed 36945845 (cited by Laboratory of Diagnosis and Therapy of Lysosomal Disorders, University of Padova).

NM_000202.8(IDS):c.1506G>T (p.Trp502Cys)

Gene: IDS (iduronate 2-sulfatase; minus strand). Cytogenetic location: Xq28.
Variant type: single nucleotide variant.
Coding change: c.1506G>T on transcript NM_000202.8 (MANE Select); coding-DNA position 1506, G replaced by T.
Protein change: p.Trp502Cys; replaces tryptophan 502 with cysteine.
Molecular consequence: missense variant.
Genome position (GRCh38, 1-based): chrX:149,482,893, C>A on the plus strand (G>T on the coding strand, the complement: IDS is on the minus strand). VCF-style: chrX-149482893-C-A. GRCh37 (hg19) VCF-style: chrX-148564424-C-A.
Other names: c.1236G>T, p.Trp412Cys (NM_001166550.4); short protein forms W412C, W502C.
Identifiers: ClinVar variation 1065846 (VCV001065846.4), dbSNP rs2124648374, ClinGen allele CA414517942.
Genomic context (GRCh38, chrX:149,482,893, plus strand): 5'-CAGTTCCCCTGCATGGATGTCAGAAAAGTTAGCTAGAAATTCATCAGGATTGAAGCCAAC[C>A]CACACAGTATACCTATAGTCTATGGTGCGTATGGAATAGCCCATGATCTTTATATCTTTT-3'
Protein context (NP_000193.1, residues 492-512): IRTIDYRYTV[Trp502Cys]VGFNPDEFLA